The following is an entry in ClinVar:

ClinVar aggregate classification (germline): Conflicting classifications of pathogenicity. Review status: criteria provided, conflicting classifications (1 of 4 stars). 3 submissions from 3 submitters: Uncertain significance (1); Likely benign (2). Last evaluated 2026-01-02.

Conditions:
Insulin-resistant diabetes mellitus AND acanthosis nigricans. Also called: DIABETES MELLITUS, INSULIN-RESISTANT, WITH ACANTHOSIS NIGRICANS, TYPE A; type A insulin resistance; INSULIN RECEPTOR, DEFECT IN, WITH INSULIN-RESISTANT DIABETES MELLITUS AND ACANTHOSIS NIGRICANS; IRAN, TYPE A; Insulin-resistance syndrome type A. Identifiers: Orphanet 2297, MedGen C0342278, MONDO:0012520, OMIM 610549.
INSR-related disorder.

Allele frequency attached by ClinVar (database versions not stated): ExAC 0.00002; gnomAD 0.00002; TOPMed 0.00003; gnomAD exomes 0.00004 and 0.00007; ESP Exome Variant Server 0.00015.
gnomAD v4.1: 95 of 1,613,980 alleles (0.0059%); highest among the groups gnomAD compares: Non-Finnish European, 0.0078%; no homozygotes.

Submissions (3):

PreventionGenetics, part of Exact Sciences
Classification: Likely benign for INSR-related condition. Last evaluated: 2026-01-02. Review status: criteria provided, single submitter. Criteria: ACMG Guidelines, 2015. Collection method: clinical testing. Allele origin: germline.
Comment: This variant is classified as likely benign based on ACMG/AMP sequence variant interpretation guidelines (Richards et al. 2015 PMID: 25741868, with internal and published modifications).

Laboratory of Genetics, Children's Clinical University Hospital Latvia
Classification: Likely benign. Last evaluated: 2025-02-16. Review status: criteria provided, single submitter. Criteria: ACMG Guidelines, 2015. Collection method: clinical testing. Allele origin: germline. Affected: yes.

Baylor Genetics
Classification: Uncertain significance for Insulin-resistant diabetes mellitus AND acanthosis nigricans. Last evaluated: 2018-01-24. Review status: criteria provided, single submitter. Criteria: ACMG Guidelines, 2015. Collection method: clinical testing. Allele origin: maternal. Affected: yes.
Comment: This variant was determined to be of uncertain significance according to ACMG Guidelines, 2015 [PMID:25741868].

NM_000208.4(INSR):c.2842+4A>T

Gene: INSR (insulin receptor; minus strand). Cytogenetic location: 19p13.2.
Variant type: single nucleotide variant.
Coding change: c.2842+4A>T on transcript NM_000208.4 (MANE Select); 4 bases into the intron after coding-DNA position 2842, A replaced by T.
Molecular consequence: intron variant.
Genome position (GRCh38, 1-based): chr19:7,132,154, T>A on the plus strand (A>T on the coding strand, the complement: INSR is on the minus strand). VCF-style: chr19-7132154-T-A. GRCh37 (hg19) VCF-style: chr19-7132165-T-A.
Other names: c.2842+4A>T (NM_000208.3); c.2806+4A>T (NM_001079817.3).
Identifiers: ClinVar variation 1032927 (VCV001032927.3), dbSNP rs369081376, ClinGen allele CA9135444.